The following is an entry in ClinVar:

NM_001184900.3(CARD8):c.658C>G (p.Leu220Val)

Gene: CARD8 (caspase recruitment domain family member 8; minus strand). Cytogenetic location: 19q13.33.
Variant type: single nucleotide variant.
Coding change: c.658C>G on transcript NM_001184900.3 (MANE Select); coding-DNA position 658, C replaced by G.
Protein change: p.Leu220Val; replaces leucine 220 with valine.
Molecular consequence: missense variant. On other transcripts: non-coding transcript variant (4).
Genome position (GRCh38, 1-based): chr19:48,230,891, G>C on the plus strand (C>G on the coding strand, the complement: CARD8 is on the minus strand). VCF-style: chr19-48230891-G-C. GRCh37 (hg19) VCF-style: chr19-48734148-G-C.
Other names: c.508C>G, p.Leu170Val (NM_001184901.1, NM_001351783.2, NM_001351788.2 and 2 more transcripts); c.658C>G, p.Leu220Val (NM_001184902.2, NM_001184903.1, NM_001351782.2); c.343C>G, p.Leu115Val (NM_001351784.2, NM_001351787.2, NM_001351791.2 and 2 more transcripts); c.322C>G, p.Leu108Val (NM_001351786.2); c.415C>G, p.Leu139Val (NM_001351790.2); short protein forms L108V, L115V, L139V, L170V, L220V.
Identifiers: ClinVar variation 3610576 (VCV003610576.2).

ClinVar aggregate classification (germline): Uncertain significance (1 of 4 stars; one submission).

gnomAD v4.1: 1 of 1,614,208 alleles (0.000062%); highest among the groups gnomAD compares: Non-Finnish European, 0.000085%; no homozygotes.

Submission:

Labcorp Genetics (formerly Invitae), Labcorp
Classification: Uncertain significance. Last evaluated: 2024-08-10. Review status: criteria provided, single submitter. Criteria: Invitae Variant Classification Sherloc (09022015). Collection method: clinical testing. Allele origin: germline.
Comment: This sequence change replaces leucine, which is neutral and non-polar, with valine, which is neutral and non-polar, at codon 170 of the CARD8 protein (p.Leu170Val). This variant is not present in population databases (gnomAD no frequency). This variant has not been reported in the literature in individuals affected with CARD8-related conditions. An algorithm developed to predict the effect of missense changes on protein structure and function (PolyPhen-2) suggests that this variant is likely to be tolerated. In summary, the available evidence is currently insufficient to determine the role of this variant in disease. Therefore, it has been classified as a Variant of Uncertain Significance.